The following is an entry in ClinVar:

NM_001128148.3(TFRC):c.1832A>G (p.Tyr611Cys)

Gene: TFRC (transferrin receptor; minus strand). Cytogenetic location: 3q29.
Variant type: single nucleotide variant.
Coding change: c.1832A>G on transcript NM_001128148.3 (MANE Select); coding-DNA position 1832, A replaced by G.
Protein change: p.Tyr611Cys; replaces tyrosine 611 with cysteine.
Molecular consequence: missense variant.
Genome position (GRCh38, 1-based): chr3:196,055,147, T>C on the plus strand (A>G on the coding strand, the complement: TFRC is on the minus strand). VCF-style: chr3-196055147-T-C. GRCh37 (hg19) VCF-style: chr3-195782018-T-C.
Other names: c.1589A>G, p.Tyr530Cys (NM_001313965.2); c.986A>G, p.Tyr329Cys (NM_001313966.2); c.1832A>G, p.Tyr611Cys (NM_003234.4); short protein forms Y329C, Y530C, Y611C.
Identifiers: ClinVar variation 1368034 (VCV001368034.8), dbSNP rs1351055897, ClinGen allele CA355562651.
Genomic context (GRCh38, chr3:196,055,147, plus strand): 5'-TCTGCTCTGTATTGGTTCAGATCCCTCACAAATGAAAGCAGTTGGCTGTTGTACCTCTCA[T>C]AGTCCAGGTTCAATTCAACATCATGGGTTAGTTTAATCACGAACTGACCAGCGACCTCTG-3'
Protein context (NP_001121620.1, residues 601-621): LTHDVELNLD[Tyr611Cys]ERYNSQLLSF

ClinVar aggregate classification (germline): Uncertain significance (1 of 4 stars; one submission).

Allele frequency attached by ClinVar (database versions not stated): gnomAD exomes below 0.00001; TOPMed 0.00001.

Submission:

Labcorp Genetics (formerly Invitae), Labcorp
Classification: Uncertain significance. Last evaluated: 2025-02-27. Review status: criteria provided, single submitter. Criteria: Invitae Variant Classification Sherloc (09022015). Collection method: clinical testing. Allele origin: germline.
Comment: This sequence change replaces tyrosine, which is neutral and polar, with cysteine, which is neutral and slightly polar, at codon 611 of the TFRC protein (p.Tyr611Cys). This variant is not present in population databases (gnomAD no frequency). This variant has not been reported in the literature in individuals affected with TFRC-related conditions. ClinVar contains an entry for this variant (Variation ID: 1368034). Invitae Evidence Modeling of protein sequence and biophysical properties (such as structural, functional, and spatial information, amino acid conservation, physicochemical variation, residue mobility, and thermodynamic stability) indicates that this missense variant is not expected to disrupt TFRC protein function with a negative predictive value of 80%. In summary, the available evidence is currently insufficient to determine the role of this variant in disease. Therefore, it has been classified as a Variant of Uncertain Significance.